The following is an entry in ClinVar:

NM_030665.4(RAI1):c.5698C>G (p.Pro1900Ala)

Gene: RAI1 (retinoic acid induced 1; plus strand). Cytogenetic location: 17p11.2.
Variant type: single nucleotide variant.
Coding change: c.5698C>G on transcript NM_030665.4 (MANE Select); coding-DNA position 5698, C replaced by G.
Protein change: p.Pro1900Ala; replaces proline 1900 with alanine.
Molecular consequence: missense variant.
Genome position (GRCh38, 1-based): chr17:17,809,428, C>G. VCF-style: chr17-17809428-C-G. GRCh37 (hg19) VCF-style: chr17-17712742-C-G.
Other names: short protein forms P1900A.
Identifiers: ClinVar variation 1334033 (VCV001334033.10), dbSNP rs1039699590, ClinGen allele CA288379423.

ClinVar aggregate classification (germline): Uncertain significance. Review status: criteria provided, multiple submitters, no conflicts (2 of 4 stars). 3 submissions from 3 submitters: Uncertain significance (2). 1 of the submissions does not count toward it. Last evaluated 2024-02-26.

Conditions:
RAI1-related disorder. Also called: RAI1-related condition.
Smith-Magenis syndrome (SMS). Also called: CHROMOSOME 17p11.2 DELETION SYNDROME. Identifiers: Orphanet 819, MedGen C0795864, MONDO:0008434, OMIM 182290.

Allele frequency attached by ClinVar (database versions not stated): TOPMed 0.00001.
gnomAD v4.1: 2 of 1,604,750 alleles (0.00012%); highest among the groups gnomAD compares: Non-Finnish European, 0.00017%; no homozygotes.

Submissions (3):

Labcorp Genetics (formerly Invitae), Labcorp
Classification: Uncertain significance. Last evaluated: 2024-02-26. Review status: criteria provided, single submitter. Criteria: Invitae Variant Classification Sherloc (09022015). Collection method: clinical testing. Allele origin: germline.
Comment: This sequence change replaces proline, which is neutral and non-polar, with alanine, which is neutral and non-polar, at codon 1900 of the RAI1 protein (p.Pro1900Ala). This variant is not present in population databases (gnomAD no frequency). This variant has not been reported in the literature in individuals affected with RAI1-related conditions. ClinVar contains an entry for this variant (Variation ID: 1334033). Advanced modeling of protein sequence and biophysical properties (such as structural, functional, and spatial information, amino acid conservation, physicochemical variation, residue mobility, and thermodynamic stability) performed at Invitae indicates that this missense variant is not expected to disrupt RAI1 protein function with a negative predictive value of 80%. In summary, the available evidence is currently insufficient to determine the role of this variant in disease. Therefore, it has been classified as a Variant of Uncertain Significance.

CENTOGENE GmbH and LLC - Guiding Precision Medicine
Classification: Uncertain significance for Smith-Magenis syndrome. Last evaluated: 2021-04-09. Review status: criteria provided, single submitter. Criteria: ACMG Guidelines, 2015. Collection method: clinical testing. Allele origin: germline.

PreventionGenetics, part of Exact Sciences
Classification: Uncertain significance for RAI1-related condition. Last evaluated: 2024-02-26. Review status: no assertion criteria provided. Collection method: clinical testing. Allele origin: germline. Not counted in ClinVar's aggregate classification.
Comment: The RAI1 c.5698C>G variant is predicted to result in the amino acid substitution p.Pro1900Ala. To our knowledge, this variant has not been reported in the literature or in a large population database, indicating this variant is rare. At this time, the clinical significance of this variant is uncertain due to the absence of conclusive functional and genetic evidence.